The following is an entry in ClinVar:

NM_006361.6(HOXB13):c.415C>A (p.Pro139Thr)

Gene: HOXB13 (homeobox B13; minus strand). Cytogenetic location: 17q21.32.
Variant type: single nucleotide variant.
Coding change: c.415C>A on transcript NM_006361.6 (MANE Select); coding-DNA position 415, C replaced by A.
Protein change: p.Pro139Thr; replaces proline 139 with threonine.
Molecular consequence: missense variant.
Genome position (GRCh38, 1-based): chr17:48,728,179, G>T on the plus strand (C>A on the coding strand, the complement: HOXB13 is on the minus strand). VCF-style: chr17-48728179-G-T. GRCh37 (hg19) VCF-style: chr17-46805541-G-T.
Other names: short protein forms P139T.
Identifiers: ClinVar variation 5022694 (VCV005022694.1).

ClinVar aggregate classification (germline): Uncertain significance (1 of 4 stars; one submission).

Conditions:
Hereditary cancer-predisposing syndrome. Also called: Neoplastic Syndromes, Hereditary; Tumor predisposition; Hereditary neoplastic syndrome; Hereditary Cancer Syndrome. Identifiers: Orphanet 140162, MedGen C0027672, MeSH D009386, MONDO:0015356.

Submission:

Ambry Genetics
Classification: Uncertain significance for Hereditary cancer-predisposing syndrome. Last evaluated: 2026-07-08. Review status: criteria provided, single submitter. Criteria: Ambry Variant Classification Scheme 2023. Collection method: clinical testing. Allele origin: germline.
Comment: The p.P139T variant (also known as c.415C>A), located in coding exon 1 of the HOXB13 gene, results from a C to A substitution at nucleotide position 415. The proline at codon 139 is replaced by threonine, an amino acid with highly similar properties. This amino acid position is conserved. In addition, the in silico prediction for this alteration is inconclusive. Since supporting evidence is limited at this time, the clinical significance of this alteration remains unclear.